The following is an entry in ClinVar:

ClinVar aggregate classification (germline): Pathogenic (1 of 4 stars; one submission).

Submission:

GeneDx
Classification: Pathogenic. Last evaluated: 2018-09-14. Review status: criteria provided, single submitter. Criteria: GeneDx Variant Classification (06012015). Collection method: clinical testing. Allele origin: germline. Affected: yes.
Comment: The E679X pathogenic variant in the PIEZO1 gene has not been reported previously as a pathogenic variant nor as a benign variant, to our knowledge. This variant is predicted to cause loss of normal protein function either through protein truncation or nonsense-mediated mRNA decay. The E679X variant was not observed in approximately 2,300 individuals of European and African American ancestry in the NHLBI Exome Sequencing Project, indicating it is not a common benign variant in these populations. We interpret E679X as a pathogenic variant.

NM_001142864.4(PIEZO1):c.2035G>T (p.Glu679Ter)

Genes: PIEZO1 (piezo type mechanosensitive ion channel component 1; minus strand), LOC100289580 (uncharacterized LOC100289580; plus strand). Cytogenetic location: 16q24.3.
Variant type: single nucleotide variant.
Coding change: c.2035G>T on transcript NM_001142864.4 (MANE Select); coding-DNA position 2035, G replaced by T.
Protein change: p.Glu679Ter; replaces glutamic acid 679 with a stop codon.
Molecular consequence: nonsense.
Genome position (GRCh38, 1-based): chr16:88,734,501, C>A on the plus strand (G>T on the coding strand, the complement: PIEZO1 is on the minus strand). VCF-style: chr16-88734501-C-A. GRCh37 (hg19) VCF-style: chr16-88800909-C-A.
Other names: c.2035G>T, p.Glu679Ter (LRG_1137t1); short protein forms E679*.
Identifiers: ClinVar variation 280281 (VCV000280281.2), dbSNP rs886041515, ClinGen allele CA10603280.